The following is an entry in ClinVar:

ClinVar aggregate classification (germline): Benign/Likely benign. Review status: criteria provided, multiple submitters, no conflicts (2 of 4 stars). 5 submissions from 5 submitters: Benign (1); Likely benign (3). 1 of the submissions does not count toward it. Last evaluated 2026-01-24.

Conditions:
TPP1-related disorder. Also called: TPP1-related condition.
Inborn genetic diseases. Identifiers: MedGen C0950123, MeSH D030342.

Allele frequency attached by ClinVar (database versions not stated): gnomAD exomes 0.00012; ExAC 0.00013; 1000 Genomes Project 30x 0.00016; 1000 Genomes Project 0.00020; gnomAD 0.00036 and 0.00039; TOPMed 0.00048; ESP Exome Variant Server 0.00069.
gnomAD v4.1: 106 of 1,614,080 alleles (0.0066%); highest among the groups gnomAD compares: African/African-American, 0.13%; no homozygotes.

Submissions (5):

Labcorp Genetics (formerly Invitae), Labcorp
Classification: Likely benign. Last evaluated: 2026-01-24. Review status: criteria provided, single submitter. Criteria: Invitae Variant Classification Sherloc (09022015). Collection method: clinical testing. Allele origin: germline.

Blueprint Genetics
Classification: Likely benign. Last evaluated: 2023-05-30. Review status: criteria provided, single submitter. Criteria: ACMG Guidelines, 2015. Collection method: clinical testing. Allele origin: germline.

Ambry Genetics
Classification: Likely benign for Inborn genetic diseases. Last evaluated: 2018-05-15. Review status: criteria provided, single submitter. Criteria: Ambry Variant Classification Scheme 2023. Collection method: clinical testing. Allele origin: germline.

GeneDx
Classification: Benign. Last evaluated: 2014-06-02. Review status: criteria provided, single submitter. Criteria: GeneDx Variant Classification (06012015). Collection method: clinical testing. Allele origin: germline. Affected: yes.
Comment: This variant is considered likely benign or benign based on one or more of the following criteria: it is a conservative change, it occurs at a poorly conserved position in the protein, it is predicted to be benign by multiple in silico algorithms, and/or has population frequency not consistent with disease.

PreventionGenetics, part of Exact Sciences
Classification: Likely benign for TPP1-related condition. Last evaluated: 2020-03-17. Review status: no assertion criteria provided. Collection method: clinical testing. Allele origin: germline. Not counted in ClinVar's aggregate classification.
Comment: This variant is classified as likely benign based on ACMG/AMP sequence variant interpretation guidelines (Richards et al. 2015 PMID: 25741868, with internal and published modifications).

NM_000391.4(TPP1):c.513G>T (p.Gly171=)

Gene: TPP1 (tripeptidyl peptidase 1; minus strand). Cytogenetic location: 11p15.4.
Variant type: single nucleotide variant.
Coding change: c.513G>T on transcript NM_000391.4 (MANE Select); coding-DNA position 513, G replaced by T.
Protein change: p.Gly171=; no amino-acid change (glycine 171 retained).
Molecular consequence: synonymous variant.
Genome position (GRCh38, 1-based): chr11:6,617,149, C>A on the plus strand (G>T on the coding strand, the complement: TPP1 is on the minus strand). VCF-style: chr11-6617149-C-A. GRCh37 (hg19) VCF-style: chr11-6638380-C-A.
Other names: p.G171G:GGG>GGT.
Identifiers: ClinVar variation 137699 (VCV000137699.17), dbSNP rs145224171, ClinGen allele CA291353.